The following is an entry in ClinVar:

NM_000051.4(ATM):c.6269A>C (p.Asp2090Ala)

Genes: ATM (ATM serine/threonine kinase; plus strand), C11orf65 (chromosome 11 open reading frame 65; minus strand). Cytogenetic location: 11q22.3.
Variant type: single nucleotide variant.
Coding change: c.6269A>C on transcript NM_000051.4 (MANE Select); coding-DNA position 6269, A replaced by C.
Protein change: p.Asp2090Ala; replaces aspartic acid 2090 with alanine.
Molecular consequence: missense variant. On other transcripts: intron variant (2).
Genome position (GRCh38, 1-based): chr11:108,317,443, A>C. VCF-style: chr11-108317443-A-C. GRCh37 (hg19) VCF-style: chr11-108188170-A-C.
Other names: c.6269A>C, p.Asp2090Ala (NM_001351834.2); c.641-8372T>G (NM_001330368.2); c.*39-8372T>G (NM_001351110.2); short protein forms D2090A.
Identifiers: ClinVar variation 524301 (VCV000524301.8), dbSNP rs1555114696, ClinGen allele CA382551934.

ClinVar aggregate classification (germline): Uncertain significance (1 of 4 stars; one submission).

Conditions:
Ataxia-telangiectasia syndrome (AT). Also called: Cerebello-oculocutaneous telangiectasia; Immunodeficiency with ataxia telangiectasia; Ataxia-telangiectasia, complementation group E; Ataxia-telangiectasia, complementation group D; AT, COMPLEMENTATION GROUP C; ATAXIA-TELANGIECTASIA, COMPLEMENTATION GROUP A. Identifiers: Orphanet 100, MedGen C0004135, MONDO:0008840, OMIM 208900.

Submission:

Labcorp Genetics (formerly Invitae), Labcorp
Classification: Uncertain significance for Ataxia-telangiectasia syndrome. Last evaluated: 2026-01-06. Review status: criteria provided, single submitter. Criteria: Invitae Variant Classification Sherloc (09022015). Collection method: clinical testing. Allele origin: germline.
Comment: This sequence change replaces aspartic acid, which is acidic and polar, with alanine, which is neutral and non-polar, at codon 2090 of the ATM protein (p.Asp2090Ala). This variant is not present in population databases (gnomAD no frequency). This variant has not been reported in the literature in individuals affected with ATM-related conditions. ClinVar contains an entry for this variant (Variation ID: 524301). Invitae Evidence Modeling of protein sequence and biophysical properties (such as structural, functional, and spatial information, amino acid conservation, physicochemical variation, residue mobility, and thermodynamic stability) indicates that this missense variant is not expected to disrupt ATM protein function with a negative predictive value of 95%. In summary, the available evidence is currently insufficient to determine the role of this variant in disease. Therefore, it has been classified as a Variant of Uncertain Significance.